The following is an entry in ClinVar:

ClinVar aggregate classification (germline): Pathogenic (1 of 4 stars; one submission).

Conditions:
Developmental and epileptic encephalopathy, 54. Also called: Epileptic encephalopathy, early infantile, 54; HNRNPU-Related Neurodevelopmental Disorder. Identifiers: MedGen C4479319, MONDO:0033363, OMIM 617391.

Submission:

Victorian Clinical Genetics Services, Murdoch Childrens Research Institute
Classification: Pathogenic for Developmental and epileptic encephalopathy, 54. Last evaluated: 2024-10-09. Review status: criteria provided, single submitter. Criteria: ACMG Guidelines, 2015. Collection method: clinical testing. Allele origin: germline. Inheritance: Autosomal dominant inheritance. Affected: yes.
Comment: Based on the classification scheme VCGS_Germline_v1.3.4, this variant is classified as Pathogenic. Following criteria are met: 0102 - Loss of function is a known mechanism of disease in this gene and is associated with developmental and epileptic encephalopathy 54 (MIM#617391). The mechanism for missense variants is unclear. (I) 0107 - This gene is associated with autosomal dominant disease. (I) 0201 - Variant is predicted to cause nonsense-mediated decay (NMD) and loss of protein (premature termination codon is located at least 54 nucleotides upstream of the final exon-exon junction). (SP) 0251 - This variant is heterozygous. (I) 0301 - Variant is absent from gnomAD (both v2 and v3). (SP) 0701 - Many other NMD-predicted variants comparable to the one identified in this case have very strong previous evidence for pathogenicity (DECIPHER). (SP) 0807 - This variant has no previous evidence of pathogenicity. (I) 0905 - No published segregation evidence has been identified for this variant. (I) 1007 - No published functional evidence has been identified for this variant. (SP) Legend: (SP) - Supporting pathogenic, (I) - Information, (SB) - Supporting benign

NM_031844.3(HNRNPU):c.1102dup (p.Ser368fs)

Gene: HNRNPU (heterogeneous nuclear ribonucleoprotein U; minus strand). Cytogenetic location: 1q44.
Variant type: Duplication.
Coding change: c.1102dup on transcript NM_031844.3 (MANE Select); coding-DNA position 1102, one base duplicated (A; older notation c.1102dupA).
Protein change: p.Ser368fs; shifts the reading frame from serine 368.
Molecular consequence: frameshift variant.
Genome position (GRCh38, 1-based): chr1:244,859,290, T duplicated on the plus strand (A on the coding strand, the reverse complement: HNRNPU is on the minus strand); the first of 2 consecutive T bases (chr1:244,859,290-244,859,291); duplicating either gives the same sequence. VCF-style (leftmost placement, unchanged base first): chr1-244859289-C-CT. GRCh37 (hg19) VCF-style: chr1-245022591-C-CT.
Other names: c.1045dup, p.Ser349fs (NM_004501.3); short protein forms S349fs, S368fs.
Identifiers: ClinVar variation 3377002 (VCV003377002.1).